The following is an entry in ClinVar:

NM_004656.4(BAP1):c.2162C>G (p.Ser721Cys)

Gene: BAP1 (BRCA1 associated deubiquitinase 1; minus strand). Cytogenetic location: 3p21.1.
Variant type: single nucleotide variant.
Coding change: c.2162C>G on transcript NM_004656.4 (MANE Select); coding-DNA position 2162, C replaced by G.
Protein change: p.Ser721Cys; replaces serine 721 with cysteine.
Molecular consequence: missense variant.
Genome position (GRCh38, 1-based): chr3:52,402,316, G>C on the plus strand (C>G on the coding strand, the complement: BAP1 is on the minus strand). VCF-style: chr3-52402316-G-C. GRCh37 (hg19) VCF-style: chr3-52436332-G-C.
Other names: short protein forms S721C.
Identifiers: ClinVar variation 490846 (VCV000490846.18), dbSNP rs1553644521, ClinGen allele CA353094019.
Genomic context (GRCh38, chr3:52,402,316, plus strand): 5'-AGAGTGGGCTGCAGAGTCAGGGCCAGCAGTCCTCACTGGCGCTTGGCCTTGTAGGGGCGA[G>C]AGCGTTTCCGCCGGTCAGGCTTCCGCTGCTTGTGGAGCCGGCCGATGCTGACCCCTTGGC-3'
Protein context (NP_004647.1, residues 711-729): KQRKPDRRKR[Ser721Cys]RPYKAKRQ

ClinVar aggregate classification (germline): Uncertain significance. Review status: criteria provided, multiple submitters, no conflicts (2 of 4 stars). 5 submissions from 5 submitters: Uncertain significance (5). Last evaluated 2024-12-31.

Conditions:
Hereditary cancer-predisposing syndrome. Also called: Hereditary Cancer Syndrome; Neoplastic Syndromes, Hereditary; Tumor predisposition; Hereditary neoplastic syndrome. Identifiers: Orphanet 140162, MedGen C0027672, MeSH D009386, MONDO:0015356.
BAP1-related tumor predisposition syndrome (TPDS1). Also called: Tumor susceptibility linked to germline BAP1 mutations; BAP1 tumor predisposition syndrome; COMMON Syndrome; TUMOR PREDISPOSITION SYNDROME 1. Identifiers: Orphanet 289539, MedGen C3280492, MONDO:0013692, OMIM 614327.

Allele frequency attached by ClinVar (database versions not stated): gnomAD exomes below 0.00001.
gnomAD v4.1: 2 of 1,597,172 alleles (0.00013%); highest among the groups gnomAD compares: Non-Finnish European, 0.00017%; no homozygotes.

Submissions (5):

Ambry Genetics
Classification: Uncertain significance for Hereditary cancer-predisposing syndrome. Last evaluated: 2024-12-31. Review status: criteria provided, single submitter. Criteria: Ambry Variant Classification Scheme 2023. Collection method: clinical testing. Allele origin: germline.
Comment: The p.S721C variant (also known as c.2162C>G), located in coding exon 17 of the BAP1 gene, results from a C to G substitution at nucleotide position 2162. The serine at codon 721 is replaced by cysteine, an amino acid with dissimilar properties. This amino acid position is highly conserved in available vertebrate species. In addition, this alteration is predicted to be tolerated by in silico analysis. Based on the available evidence, the clinical significance of this variant remains unclear.

Baylor Genetics
Classification: Uncertain significance for BAP1-related tumor predisposition syndrome. Last evaluated: 2024-03-25. Review status: criteria provided, single submitter. Criteria: ACMG Guidelines, 2015. Collection method: clinical testing. Allele origin: unknown.

Color Diagnostics, LLC DBA Color Health
Classification: Uncertain significance for Hereditary cancer-predisposing syndrome. Last evaluated: 2023-12-05. Review status: criteria provided, single submitter. Criteria: ACMG Guidelines, 2015. Collection method: clinical testing. Allele origin: germline.
Comment: This missense variant replaces serine with cysteine at codon 721 of the BAP1 protein. Computational prediction suggests that this variant may not impact protein structure and function (internally defined REVEL score threshold <= 0.5, PMID: 27666373). To our knowledge, functional studies have not been reported for this variant. This variant has not been reported in individuals affected with BAP1-related disorders in the literature. This variant has not been identified in the general population by the Genome Aggregation Database (gnomAD). The available evidence is insufficient to determine the role of this variant in disease conclusively. Therefore, this variant is classified as a Variant of Uncertain Significance.

Labcorp Genetics (formerly Invitae), Labcorp
Classification: Uncertain significance for BAP1-related tumor predisposition syndrome. Last evaluated: 2022-11-05. Review status: criteria provided, single submitter. Criteria: Invitae Variant Classification Sherloc (09022015). Collection method: clinical testing. Allele origin: germline.
Comment: In summary, the available evidence is currently insufficient to determine the role of this variant in disease. Therefore, it has been classified as a Variant of Uncertain Significance. Advanced modeling of protein sequence and biophysical properties (such as structural, functional, and spatial information, amino acid conservation, physicochemical variation, residue mobility, and thermodynamic stability) has been performed at Invitae for this missense variant, however the output from this modeling did not meet the statistical confidence thresholds required to predict the impact of this variant on BAP1 protein function. ClinVar contains an entry for this variant (Variation ID: 490846). This variant has not been reported in the literature in individuals affected with BAP1-related conditions. This variant is not present in population databases (gnomAD no frequency). This sequence change replaces serine, which is neutral and polar, with cysteine, which is neutral and slightly polar, at codon 721 of the BAP1 protein (p.Ser721Cys).

Mendelics
Classification: Uncertain significance for Tumor susceptibility linked to germline BAP1 mutations. Last evaluated: 2018-07-02. Review status: criteria provided, single submitter. Criteria: Mendelics Assertion Criteria 2017. Collection method: clinical testing. Allele origin: unknown.